The following is an entry in ClinVar:

ClinVar aggregate classification (germline): Uncertain significance (1 of 4 stars; one submission).

Conditions:
Rhabdoid tumor predisposition syndrome 2 (RTPS2). Identifiers: Orphanet 231108, Orphanet 69077, MedGen C2750074, MONDO:0013224, OMIM 613325.

Submission:

Labcorp Genetics (formerly Invitae), Labcorp
Classification: Uncertain significance for Rhabdoid tumor predisposition syndrome 2. Last evaluated: 2022-01-27. Review status: criteria provided, single submitter. Criteria: Invitae Variant Classification Sherloc (09022015). Collection method: clinical testing. Allele origin: germline.
Comment: This variant is not present in population databases (gnomAD no frequency). This sequence change replaces isoleucine, which is neutral and non-polar, with leucine, which is neutral and non-polar, at codon 802 of the SMARCA4 protein (p.Ile802Leu). This variant has not been reported in the literature in individuals affected with SMARCA4-related conditions. In summary, the available evidence is currently insufficient to determine the role of this variant in disease. Therefore, it has been classified as a Variant of Uncertain Significance. Algorithms developed to predict the effect of missense changes on protein structure and function (SIFT, PolyPhen-2, Align-GVGD) all suggest that this variant is likely to be tolerated. ClinVar contains an entry for this variant (Variation ID: 957916).

NM_003072.5(SMARCA4):c.2404A>C (p.Ile802Leu)

Gene: SMARCA4 (SWI/SNF related BAF chromatin remodeling complex subunit ATPase 4; plus strand). Cytogenetic location: 19p13.2.
Variant type: single nucleotide variant.
Coding change: c.2404A>C on transcript NM_003072.5 (MANE Select); coding-DNA position 2404, A replaced by C.
Protein change: p.Ile802Leu; replaces isoleucine 802 with leucine.
Molecular consequence: missense variant. On other transcripts: non-coding transcript variant (1).
Genome position (GRCh38, 1-based): chr19:11,013,078, A>C. VCF-style: chr19-11013078-A-C. GRCh37 (hg19) VCF-style: chr19-11123754-A-C.
Other names: c.2404A>C, p.Ile802Leu (NM_001128844.3, NM_001128845.2, NM_001128846.2 and 4 more transcripts); short protein forms I802L.
Identifiers: ClinVar variation 957916 (VCV000957916.9), dbSNP rs1454445195, ClinGen allele CA404053291.
Genomic context (GRCh38, chr19:11,013,078, plus strand): 5'-GGCCTGGGGAAGACCATCCAGACCATCGCGCTCATCACGTACCTCATGGAGCACAAACGC[A>C]TCAATGGGCCCTTCCTCATCATCGTGCCTCTCTCGTGAGTACCCGCTGCCAGCAACATCC-3'
Protein context (NP_003063.2, residues 792-812): LITYLMEHKR[Ile802Leu]NGPFLIIVPL